The following is an entry in ClinVar:

NM_003745.2(SOCS1):c.7G>A (p.Ala3Thr)

Genes: SOCS1 (suppressor of cytokine signaling 1; minus strand), LOC130058479 (ATAC-STARR-seq lymphoblastoid silent region 7198; plus strand). Cytogenetic location: 16p13.13.
Variant type: single nucleotide variant.
Coding change: c.7G>A on transcript NM_003745.2 (MANE Select); coding-DNA position 7, G replaced by A.
Protein change: p.Ala3Thr; replaces alanine 3 with threonine.
Molecular consequence: missense variant.
Genome position (GRCh38, 1-based): chr16:11,255,472, C>T on the plus strand (G>A on the coding strand, the complement: SOCS1 is on the minus strand). VCF-style: chr16-11255472-C-T. GRCh37 (hg19) VCF-style: chr16-11349329-C-T.
Other names: short protein forms A3T.
Identifiers: ClinVar variation 4530303 (VCV004530303.1).
Genomic context (GRCh38, chr16:11,255,472, plus strand): 5'-GCCGCCGTCGGGGCTCTGCTGCTGTGGAGACTGCATTGTCGGCTGCCACCTGGTTGTGTG[C>T]TACCATCCTACAGAAGGGGCCAGCCGGAGGGGTGGGCCATAGCGTCCGGGGGTGCGCTGC-3'
Protein context (NP_003736.1, residues 1-13): MV[Ala3Thr]HNQVAADNAV

ClinVar aggregate classification (somatic clinical impact): Tier I - Strong (1 of 4 stars; one submission).

Conditions:
Malignant lymphoma, large B-cell, diffuse. Also called: Diffuse large B cell lymphoma. Identifiers: Orphanet 544, MedGen C0079744, MeSH D016403, MONDO:0018905.

Submission:

Institute for Genomic Medicine (IGM) Clinical Laboratory, Nationwide Children's Hospital
Classification: Tier I - Strong for Malignant lymphoma, large B-cell, diffuse. Assertion type: diagnostic. Clinical significance: supports diagnosis. Last evaluated: 2025-04-07. Review status: criteria provided, single submitter. Criteria: AMP/ASCO/CAP Guidelines, 2017. Collection method: clinical testing. Allele origin: somatic. Affected: yes.
Comment: Variant has Tier I (strong) clinical significance as a diagnostic inclusion criterion in diffuse large B-cell lymphoma, based on the following evidence: 1) Documented in one or more cancer databases (e.g., St. Jude Pecan, COSMIC, CIViC, OncoKB). 2) Appears in one or more well-established professional guidelines (e.g., World Health Organization [WHO]; National Comprehensive Cancer Network [NCCN]) as providing diagnostic, prognostic, or therapeutic information. 3) Diagnostic for a specific tumor type/classification based on well-powered studies with expert-level consensus (Evidence Level B; PMIDs: 31738823, 32187361, 28419429).

Literature cited by the submitters: PubMed 31738823; PubMed 32187361; PubMed 28419429.